The following is an entry in ClinVar:

ClinVar aggregate classification (germline): Benign/Likely benign. Review status: criteria provided, multiple submitters, no conflicts (2 of 4 stars). 2 submissions from 2 submitters: Benign (1); Likely benign (1). Last evaluated 2025-06-01.

Allele frequency attached by ClinVar (database versions not stated): 1000 Genomes Project 0.00040; 1000 Genomes Project 30x 0.00047; ExAC 0.00123; gnomAD exomes 0.00127; gnomAD 0.00169 and 0.00170; TOPMed 0.00213; ESP Exome Variant Server 0.00215.
gnomAD v4.1: 3,305 of 1,614,078 alleles (0.2%); highest among the groups gnomAD compares: Middle Eastern, 0.45%; 6 homozygotes.

Submissions (2):

CeGaT Center for Human Genetics Tuebingen
Classification: Likely benign. Last evaluated: 2025-06-01. Review status: criteria provided, single submitter. Criteria: CeGaT Center For Human Genetics Tuebingen Variant Classification Criteria Version 2. Collection method: clinical testing. Allele origin: germline. Affected: yes. Observed: 3 variant alleles.
Comment: CFAP44: BP4, BP7

Labcorp Genetics (formerly Invitae), Labcorp
Classification: Benign. Last evaluated: 2019-12-31. Review status: criteria provided, single submitter. Criteria: Invitae Variant Classification Sherloc (09022015). Collection method: clinical testing. Allele origin: germline.

NM_001164496.2(CFAP44):c.717C>T (p.Ser239=)

Genes: CFAP44-AS1 (CFAP44 antisense RNA 1; plus strand), SPICE1-CFAP44 (SPICE1-CFAP44 readthrough (NMD candidate); minus strand), CFAP44 (cilia and flagella associated protein 44; minus strand). Cytogenetic location: 3q13.2.
Variant type: single nucleotide variant.
Coding change: c.717C>T on transcript NM_001164496.2 (MANE Select); coding-DNA position 717, C replaced by T.
Protein change: p.Ser239=; no amino-acid change (serine 239 retained).
Molecular consequence: synonymous variant.
Genome position (GRCh38, 1-based): chr3:113,409,279, G>A on the plus strand (C>T on the coding strand, the complement: CFAP44 is on the minus strand). VCF-style: chr3-113409279-G-A. GRCh37 (hg19) VCF-style: chr3-113128126-G-A.
Other names: c.717C>T, p.Ser239= (NM_018338.3).
Identifiers: ClinVar variation 730433 (VCV000730433.28), dbSNP rs144907390, ClinGen allele CA2544371.